The following is an entry in ClinVar:

NM_000979.4(RPL18):c.551G>A (p.Arg184Gln)

Gene: RPL18 (ribosomal protein L18; minus strand). Cytogenetic location: 19q13.33.
Variant type: single nucleotide variant.
Coding change: c.551G>A on transcript NM_000979.4 (MANE Select); coding-DNA position 551, G replaced by A.
Protein change: p.Arg184Gln; replaces arginine 184 with glutamine.
Molecular consequence: missense variant. On other transcripts: non-coding transcript variant (1).
Genome position (GRCh38, 1-based): chr19:48,615,388, C>T on the plus strand (G>A on the coding strand, the complement: RPL18 is on the minus strand). VCF-style: chr19-48615388-C-T. GRCh37 (hg19) VCF-style: chr19-49118645-C-T.
Other names: c.464G>A, p.Arg155Gln (NM_001270490.2); short protein forms R184Q, R155Q.
Identifiers: ClinVar variation 5000609 (VCV005000609.1).

ClinVar aggregate classification (germline): Uncertain significance (1 of 4 stars; one submission).

Conditions:
RPL18-related disorder. Also called: RPL18-related condition.

gnomAD v4.1: 10 of 1,612,336 alleles (0.00062%); highest among the groups gnomAD compares: African/African-American, 0.0013%; no homozygotes.

Submission:

PreventionGenetics, part of Exact Sciences
Classification: Uncertain significance for RPL18-related condition. Last evaluated: 2024-12-28. Review status: criteria provided, single submitter. Criteria: ACMG Guidelines, 2015. Collection method: clinical testing. Allele origin: germline.
Comment: The RPL18 c.551G>A variant is predicted to result in the amino acid substitution p.Arg184Gln. To our knowledge, this variant has not been reported in the literature or in a large population database (gnomAD), indicating this variant is rare. At this time, the clinical significance of this variant is uncertain due to the absence of conclusive functional and genetic evidence.